The following is an entry in ClinVar:

NM_015046.7(SETX):c.5149G>A (p.Gly1717Ser)

Gene: SETX (senataxin; minus strand). Cytogenetic location: 9q34.13.
Variant type: single nucleotide variant.
Coding change: c.5149G>A on transcript NM_015046.7 (MANE Select); coding-DNA position 5149, G replaced by A.
Protein change: p.Gly1717Ser; replaces glycine 1717 with serine.
Molecular consequence: missense variant.
Genome position (GRCh38, 1-based): chr9:132,326,449, C>T on the plus strand (G>A on the coding strand, the complement: SETX is on the minus strand). VCF-style: chr9-132326449-C-T. GRCh37 (hg19) VCF-style: chr9-135201836-C-T.
Other names: c.5149G>A, p.Gly1717Ser (NM_001351527.2, NM_001351528.2); short protein forms G1717S.
Identifiers: ClinVar variation 3757716 (VCV003757716.3).
Genomic context (GRCh38, chr9:132,326,449, plus strand): 5'-ATCTGACAGGCACAGGTCTTGAGATGGACTGACAAAGACTTGCAGGGGGCCCACACTGAC[C>T]AAAGTTCAAAAACATTTCATATTTCCATTTTAAGACCTCTTTAACGAAGGTGTCAGAGAC-3'
Protein context (NP_055861.3, residues 1707-1727): KWKYEMFLNF[Gly1717Ser]QCGPPASLCQ

ClinVar aggregate classification (germline): Uncertain significance. Review status: criteria provided, multiple submitters, no conflicts (2 of 4 stars). 2 submissions from 2 submitters: Uncertain significance (2). Last evaluated 2025-07-31.

Conditions:
Amyotrophic lateral sclerosis type 4 (ALS4). Also called: AMYOTROPHIC LATERAL SCLEROSIS 4, JUVENILE; NEURONOPATHY, DISTAL HEREDITARY MOTOR, WITH PYRAMIDAL FEATURES. Identifiers: Orphanet 357043, MedGen C1865409, MONDO:0011223, OMIM 602433.
Spinocerebellar ataxia, autosomal recessive, with axonal neuropathy 2 (SCAN2). Also called: ATAXIA-OCULOMOTOR APRAXIA 2; Ataxia with Oculomotor Apraxia Type 2; Ataxia-ocular apraxia-2; Ataxia with Oculomotor Apraxia. Identifiers: Orphanet 64753, MedGen C1853761, MONDO:0018996, OMIM 606002.
Inborn genetic diseases. Identifiers: MedGen C0950123, MeSH D030342.

Submissions (2):

Ambry Genetics
Classification: Uncertain significance for Inborn genetic diseases. Last evaluated: 2025-07-31. Review status: criteria provided, single submitter. Criteria: Ambry Variant Classification Scheme 2023. Collection method: clinical testing. Allele origin: germline.

Labcorp Genetics (formerly Invitae), Labcorp
Classification: Uncertain significance for Amyotrophic lateral sclerosis type 4; Spinocerebellar ataxia, autosomal recessive, with axonal neuropathy 2. Last evaluated: 2025-03-09. Review status: criteria provided, single submitter. Criteria: Invitae Variant Classification Sherloc (09022015). Collection method: clinical testing. Allele origin: germline.
Comment: This sequence change replaces glycine, which is neutral and non-polar, with serine, which is neutral and polar, at codon 1717 of the SETX protein (p.Gly1717Ser). This variant is not present in population databases (gnomAD no frequency). This variant has not been reported in the literature in individuals affected with SETX-related conditions. Invitae Evidence Modeling of protein sequence and biophysical properties (such as structural, functional, and spatial information, amino acid conservation, physicochemical variation, residue mobility, and thermodynamic stability) indicates that this missense variant is not expected to disrupt SETX protein function with a negative predictive value of 95%. In summary, the available evidence is currently insufficient to determine the role of this variant in disease. Therefore, it has been classified as a Variant of Uncertain Significance.